The following is an entry in ClinVar:

ClinVar aggregate classification (germline): Uncertain significance (1 of 4 stars; one submission).

Conditions:
Immunodeficiency. Identifiers: MedGen C0021051, MONDO:0021094, HP:0002721.

Submission:

Labcorp Genetics (formerly Invitae), Labcorp
Classification: Uncertain significance for Immunodeficiency. Last evaluated: 2024-07-17. Review status: criteria provided, single submitter. Criteria: Invitae Variant Classification Sherloc (09022015). Collection method: clinical testing. Allele origin: germline.
Comment: This variant, c.2647_2649del, results in the deletion of 1 amino acid(s) of the NFAT5 protein (p.Pro883del), but otherwise preserves the integrity of the reading frame. This variant is present in population databases (rs764212079, gnomAD 0.0009%). This variant has not been reported in the literature in individuals affected with NFAT5-related conditions. Experimental studies and prediction algorithms are not available or were not evaluated, and the functional significance of this variant is currently unknown. In summary, the available evidence is currently insufficient to determine the role of this variant in disease. Therefore, it has been classified as a Variant of Uncertain Significance.

NM_138713.4(NFAT5):c.2926CCT[1] (p.Pro977del)

Gene: NFAT5 (nuclear factor of activated T cells 5; plus strand). Cytogenetic location: 16q22.1.
Variant type: Microsatellite.
Coding change: c.2926CCT[1] on transcript NM_138713.4 (MANE Select); one copy of the 3-base unit CCT starting at c.2926; the reference has two copies in a row; one copy, 3 bases deleted.
Protein change: p.Pro977del; deletes proline 977.
Molecular consequence: inframe deletion.
Genome position (GRCh38, 1-based): chr16:69,692,754-69,692,756, CCT deleted; deleting any 3 consecutive bases within chr16:69,692,749-69,692,756 gives the same sequence; the position shown is the placement nearest the transcript's 3' end. VCF-style (leftmost placement, unchanged base first): chr16-69692748-TCTC-T. GRCh37 (hg19) VCF-style: chr16-69726651-TCTC-T.
Other names: c.2923CCT[1], p.Pro976del (NM_001113178.3); c.2251CCT[1], p.Pro752del (NM_001367709.1); c.2872CCT[1], p.Pro959del (NM_006599.4); c.2644CCT[1], p.Pro883del (NM_138714.4, NM_173214.3, NM_173215.3); short protein forms P959del, P977del, P752del, P883del, P976del.
Identifiers: ClinVar variation 2722489 (VCV002722489.3), dbSNP rs764212079, ClinGen allele CA8135822.